The following is an entry in ClinVar:

NM_000088.4(COL1A1):c.1721G>T (p.Arg574Leu)

Gene: COL1A1 (collagen type I alpha 1 chain; minus strand). Cytogenetic location: 17q21.33.
Variant type: single nucleotide variant.
Coding change: c.1721G>T on transcript NM_000088.4 (MANE Select); coding-DNA position 1721, G replaced by T.
Protein change: p.Arg574Leu; replaces arginine 574 with leucine.
Molecular consequence: missense variant.
Genome position (GRCh38, 1-based): chr17:50,193,989, C>A on the plus strand (G>T on the coding strand, the complement: COL1A1 is on the minus strand). VCF-style: chr17-50193989-C-A. GRCh37 (hg19) VCF-style: chr17-48271350-C-A.
Other names: short protein forms R574L.
Identifiers: ClinVar variation 3769867 (VCV003769867.1).
Genomic context (GRCh38, chr17:50,193,989, plus strand): 5'-CACTTAATACTCACAGCAGCACCTTTAGGTCCAGGGAATCCCATCACACCAGCCTGACCA[C>A]GGGCACCAGGTGGGCCTGGGGGTCCGGGGCGACCATCTTGACCGGCGGGACCCTAAGGAT-3'
Protein context (NP_000079.2, residues 564-584): RPGPPGPPGA[Arg574Leu]GQAGVMGFPG

ClinVar aggregate classification (germline): Uncertain significance (1 of 4 stars; one submission).

Submission:

GeneDx
Classification: Uncertain significance. Last evaluated: 2024-09-13. Review status: criteria provided, single submitter. Criteria: GeneDx Variant Classification Process June 2021. Collection method: clinical testing. Allele origin: germline. Affected: yes.
Comment: Not observed at significant frequency in large population cohorts (gnomAD); In silico analysis supports that this missense variant has a deleterious effect on protein structure/function; Occurs in the triple helical domain at the Y position in the canonical Gly-X-Y repeat; although this variant may have an effect on normal protein folding and function, missense substitution at the Y position is not a common mechanism of disease (HGMD); Has not been previously published as pathogenic or benign to our knowledge